The following is an entry in ClinVar:

ClinVar aggregate classification (germline): Likely pathogenic (1 of 4 stars; one submission).

Conditions:
RASopathy. Also called: Noonan spectrum disorder; rasopathies. Identifiers: Orphanet 536391, MedGen C5555857, MONDO:0021060.

Submission:

Labcorp Genetics (formerly Invitae), Labcorp
Classification: Likely pathogenic for RASopathy. Last evaluated: 2022-05-21. Review status: criteria provided, single submitter. Criteria: Invitae Variant Classification Sherloc (09022015). Collection method: clinical testing. Allele origin: germline.
Comment: In summary, the currently available evidence indicates that the variant is pathogenic, but additional data are needed to prove that conclusively. Therefore, this variant has been classified as Likely Pathogenic. This variant disrupts the p.Glu69 amino acid residue in PTPN11. Other variant(s) that disrupt this residue have been determined to be pathogenic (PMID: 12634870, 15001945, 20186801, 23321623, 23624134, 26817465). This suggests that this residue is clinically significant, and that variants that disrupt this residue are likely to be disease-causing. Advanced modeling of protein sequence and biophysical properties (such as structural, functional, and spatial information, amino acid conservation, physicochemical variation, residue mobility, and thermodynamic stability) performed at Invitae indicates that this missense variant is expected to disrupt PTPN11 protein function. This variant has not been reported in the literature in individuals affected with PTPN11-related conditions. This variant is not present in population databases (gnomAD no frequency). This sequence change replaces glutamic acid, which is acidic and polar, with alanine, which is neutral and non-polar, at codon 69 of the PTPN11 protein (p.Glu69Ala).

Literature cited by the submitters: PubMed 12634870; PubMed 15001945; PubMed 20186801; PubMed 23321623; PubMed 23624134; PubMed 26817465.

NM_002834.5(PTPN11):c.206A>C (p.Glu69Ala)

Gene: PTPN11 (protein tyrosine phosphatase non-receptor type 11; plus strand). Cytogenetic location: 12q24.13.
Variant type: single nucleotide variant.
Coding change: c.206A>C on transcript NM_002834.5 (MANE Select); coding-DNA position 206, A replaced by C.
Protein change: p.Glu69Ala; replaces glutamic acid 69 with alanine.
Molecular consequence: missense variant.
Genome position (GRCh38, 1-based): chr12:112,450,386, A>C. VCF-style: chr12-112450386-A-C. GRCh37 (hg19) VCF-style: chr12-112888190-A-C.
Other names: c.206A>C, p.Glu69Ala (NM_001330437.2, NM_080601.3); c.203A>C, p.Glu68Ala (NM_001374625.1); short protein forms E68A, E69A.
Identifiers: ClinVar variation 1997356 (VCV001997356.4), dbSNP rs727503380, ClinGen allele CA386777758.
Genomic context (GRCh38, chr12:112,450,386, plus strand): 5'-GAGCTGTCACCCACATCAAGATTCAGAACACTGGTGATTACTATGACCTGTATGGAGGGG[A>C]GAAATTTGCCACTTTGGCTGAGTTGGTCCAGTATTACATGGAACATCACGGGCAATTAAA-3'
Protein context (NP_002825.3, residues 59-79): TGDYYDLYGG[Glu69Ala]KFATLAELVQ